The following is an entry in ClinVar:

ClinVar aggregate classification (germline): Uncertain significance (1 of 4 stars; one submission).

Conditions:
GNAS-related disorder. Identifiers: MedGen CN380105.

gnomAD v4.1: 3 of 1,560,584 alleles (0.00019%); highest among the groups gnomAD compares: South Asian, 0.0023%; no homozygotes.

Submission:

PreventionGenetics, part of Exact Sciences
Classification: Uncertain significance for GNAS-related condition. Last evaluated: 2025-10-21. Review status: criteria provided, single submitter. Criteria: ACMG Guidelines, 2015. Collection method: clinical testing. Allele origin: germline.
Comment: The GNAS c.1322T>C variant is predicted to result in the amino acid substitution p.Leu441Pro. This variant is also known as a pre-coding variant (c.-36953T>C) on the primary transcript NM_000516. To our knowledge, this variant has not been reported in the literature. This variant is reported in 0.0083% of alleles in individuals of South Asian descent in gnomAD. At this time, the clinical significance of this variant is uncertain due to the absence of conclusive functional and genetic evidence.

NM_080425.4(GNAS):c.1509T>C (p.Ser503=)

Gene: GNAS (GNAS complex locus; plus strand). Cytogenetic location: 20q13.32.
Variant type: single nucleotide variant.
Coding change: c.1509T>C on transcript NM_080425.4 (MANE Plus Clinical); coding-DNA position 1509, T replaced by C.
Protein change: p.Ser503=; no amino-acid change (serine 503 retained).
Molecular consequence: synonymous variant. On other transcripts: missense variant (2), intron variant (3).
Genome position (GRCh38, 1-based): chr20:58,854,774, T>C. VCF-style: chr20-58854774-T-C. GRCh37 (hg19) VCF-style: chr20-57429829-T-C.
Other names: c.1322T>C, p.Leu441Pro (NM_001077490.3, NM_001309883.1); c.1509T>C, p.Ser503= (NM_001410913.1); c.*42+13888T>C (NM_016592.5); c.43+13888T>C (NM_001410912.1); c.-39+12899T>C (NM_001309861.2); short protein forms L441P.
Identifiers: ClinVar variation 3344403 (VCV003344403.2).